The following is an entry in ClinVar:

ClinVar aggregate classification (germline): Pathogenic/Likely pathogenic. Review status: criteria provided, multiple submitters, no conflicts (2 of 4 stars). 2 submissions from 2 submitters: Pathogenic (1); Likely pathogenic (1). Last evaluated 2025-06-10.

Conditions:
Primary ciliary dyskinesia 19. Also called: CILIARY DYSKINESIA, PRIMARY, 19, WITH OR WITHOUT SITUS INVERSUS. Identifiers: Orphanet 244, MedGen C3543826, MONDO:0013979, OMIM 614935.

Submissions (2):

Labcorp Genetics (formerly Invitae), Labcorp
Classification: Pathogenic for Primary ciliary dyskinesia 19. Last evaluated: 2025-06-10. Review status: criteria provided, single submitter. Criteria: Invitae Variant Classification Sherloc (09022015). Collection method: clinical testing. Allele origin: germline.
Comment: This sequence change affects an acceptor splice site in intron 2 of the LRRC6 gene. It is expected to disrupt RNA splicing. Variants that disrupt the donor or acceptor splice site typically lead to a loss of protein function (PMID: 16199547), and loss-of-function variants in LRRC6 are known to be pathogenic (PMID: 23122589). This variant is present in population databases (rs775238818, gnomAD 0.01%). Disruption of this splice site has been observed in individual(s) with primary ciliary dyskinesia (PMID: 29511670). ClinVar contains an entry for this variant (Variation ID: 3382933). Algorithms developed to predict the effect of variants on gene product structure and function are not available or were not evaluated for this variant. Experimental studies have shown that disruption of this splice site affects LRRC6 function (PMID: 29511670). Algorithms developed to predict the effect of sequence changes on RNA splicing suggest that this variant may disrupt the consensus splice site. For these reasons, this variant has been classified as Pathogenic.

Juno Genomics, Hangzhou Juno Genomics, Inc
Classification: Likely pathogenic for Primary ciliary dyskinesia 19. Review status: criteria provided, single submitter. Criteria: ACMG Guidelines, 2015. Collection method: clinical testing. Allele origin: germline. Affected: yes.
Comment: Null variant in a gene where loss of function (LOF) is a known mechanism of disease.;Absent from controls (or at extremely low frequency if recessive) in Genome Aggregation Database, Exome Sequencing Project, 1000 Genomes Project, or Exome Aggregation Consortium.;For recessive disorders, detected in trans with a pathogenic variant.;Patient's phenotype or family history is highly specific for a disease with a single genetic etiology.

Literature cited by the submitters: PubMed 16199547 (cited by Labcorp Genetics (formerly Invitae), Labcorp); PubMed 23122589 (cited by Labcorp Genetics (formerly Invitae), Labcorp); PubMed 29511670 (cited by Labcorp Genetics (formerly Invitae), Labcorp).

NM_012472.6(DNAAF11):c.179-1G>A

Gene: DNAAF11 (dynein axonemal assembly factor 11; minus strand). Cytogenetic location: 8q24.22.
Variant type: single nucleotide variant.
Coding change: c.179-1G>A on transcript NM_012472.6 (MANE Select); the canonical splice acceptor site of the intron before coding-DNA position 179, G replaced by A.
Molecular consequence: splice acceptor variant. On other transcripts: intron variant (1).
Genome position (GRCh38, 1-based): chr8:132,656,908, C>T on the plus strand (G>A on the coding strand, the complement: DNAAF11 is on the minus strand). VCF-style: chr8-132656908-C-T. GRCh37 (hg19) VCF-style: chr8-133669154-C-T.
Other names: c.10+18576G>A (NM_001321962.2); c.179-1G>A (NM_001321961.2); c.-182-1G>A (NM_001321966.2, NM_001321963.2, NM_001321964.2); c.-495-1G>A (NM_001321965.2).
Identifiers: ClinVar variation 3382933 (VCV003382933.4).